The following is an entry in ClinVar:

ClinVar aggregate classification (germline): Uncertain significance. Review status: criteria provided, multiple submitters, no conflicts (2 of 4 stars). 2 submissions from 2 submitters: Uncertain significance (2). Last evaluated 2025-10-29.

Allele frequency attached by ClinVar (database versions not stated): ESP Exome Variant Server 0.00008; gnomAD exomes 0.00001; TOPMed 0.00003; ExAC 0.00004; gnomAD 0.00003.
gnomAD v4.1: 13 of 1,613,926 alleles (0.00081%); highest among the groups gnomAD compares: East Asian, 0.0089%; no homozygotes.

Submissions (2):

Ambry Genetics
Classification: Uncertain significance. Last evaluated: 2025-10-29. Review status: criteria provided, single submitter. Criteria: Ambry Variant Classification Scheme 2023. Collection method: clinical testing. Allele origin: germline.

Labcorp Genetics (formerly Invitae), Labcorp
Classification: Uncertain significance. Last evaluated: 2025-03-18. Review status: criteria provided, single submitter. Criteria: Invitae Variant Classification Sherloc (09022015). Collection method: clinical testing. Allele origin: germline.
Comment: This sequence change replaces arginine, which is basic and polar, with glutamine, which is neutral and polar, at codon 259 of the CEP97 protein (p.Arg259Gln). This variant is present in population databases (rs144348649, gnomAD 0.006%). This variant has not been reported in the literature in individuals affected with CEP97-related conditions. ClinVar contains an entry for this variant (Variation ID: 2994886). Invitae Evidence Modeling of protein sequence and biophysical properties (such as structural, functional, and spatial information, amino acid conservation, physicochemical variation, residue mobility, and thermodynamic stability) indicates that this missense variant is not expected to disrupt CEP97 protein function with a negative predictive value of 80%. In summary, the available evidence is currently insufficient to determine the role of this variant in disease. Therefore, it has been classified as a Variant of Uncertain Significance.

NM_024548.4(CEP97):c.776G>A (p.Arg259Gln)

Gene: CEP97 (centrosomal protein 97; plus strand). Cytogenetic location: 3q12.3.
Variant type: single nucleotide variant.
Coding change: c.776G>A on transcript NM_024548.4 (MANE Select); coding-DNA position 776, G replaced by A.
Protein change: p.Arg259Gln; replaces arginine 259 with glutamine.
Molecular consequence: missense variant.
Genome position (GRCh38, 1-based): chr3:101,755,477, G>A. VCF-style: chr3-101755477-G-A. GRCh37 (hg19) VCF-style: chr3-101474321-G-A.
Other names: c.776G>A, p.Arg259Gln (NM_001303401.2); c.674G>A, p.Arg225Gln (NM_001410784.1, NM_001410785.1); c.776G>A (NM_024548.2); short protein forms R225Q, R259Q.
Identifiers: ClinVar variation 2994886 (VCV002994886.4), dbSNP rs144348649, ClinGen allele CA2521993.